The following is an entry in ClinVar:

ClinVar aggregate classification (germline): Uncertain significance (1 of 4 stars; one submission).

gnomAD v4.1: 1 of 1,610,074 alleles (0.000062%); highest among the groups gnomAD compares: Non-Finnish European, 0.000085%; no homozygotes.

Submission:

Labcorp Genetics (formerly Invitae), Labcorp
Classification: Uncertain significance. Last evaluated: 2025-09-01. Review status: criteria provided, single submitter. Criteria: Invitae Variant Classification Sherloc (09022015). Collection method: clinical testing. Allele origin: germline.
Comment: This sequence change replaces leucine, which is neutral and non-polar, with proline, which is neutral and non-polar, at codon 283 of the DSG1 protein (p.Leu283Pro). This variant is not present in population databases (gnomAD no frequency). This variant has not been reported in the literature in individuals affected with DSG1-related conditions. Invitae Evidence Modeling of protein sequence and biophysical properties (such as structural, functional, and spatial information, amino acid conservation, physicochemical variation, residue mobility, and thermodynamic stability) indicates that this missense variant is not expected to disrupt DSG1 protein function with a negative predictive value of 80%. In summary, the available evidence is currently insufficient to determine the role of this variant in disease. Therefore, it has been classified as a Variant of Uncertain Significance.

NM_001942.4(DSG1):c.848T>C (p.Leu283Pro)

Gene: DSG1 (desmoglein 1; plus strand). Cytogenetic location: 18q12.1.
Variant type: single nucleotide variant.
Coding change: c.848T>C on transcript NM_001942.4 (MANE Select); coding-DNA position 848, T replaced by C.
Protein change: p.Leu283Pro; replaces leucine 283 with proline.
Molecular consequence: missense variant.
Genome position (GRCh38, 1-based): chr18:31,334,045, T>C. VCF-style: chr18-31334045-T-C. GRCh37 (hg19) VCF-style: chr18-28914008-T-C.
Other names: short protein forms L283P.
Identifiers: ClinVar variation 4735679 (VCV004735679.1).